The following is an entry in ClinVar:

ClinVar aggregate classification (germline): Uncertain significance (1 of 4 stars; one submission).

Conditions:
Arrhythmogenic right ventricular dysplasia 10. Also called: Arrhythmogenic Right Ventricular Dysplasia/Cardiomyopathy10; ARRHYTHMOGENIC RIGHT VENTRICULAR DYSPLASIA, FAMILIAL, 10; Arrhythmogenic right ventricular dysplasia/cardiomyopathy, type 10. Identifiers: MedGen C1857777, MONDO:0012434, OMIM 610193.

Submission:

Labcorp Genetics (formerly Invitae), Labcorp
Classification: Uncertain significance for Arrhythmogenic right ventricular dysplasia 10. Last evaluated: 2025-10-21. Review status: criteria provided, single submitter. Criteria: Invitae Variant Classification Sherloc (09022015). Collection method: clinical testing. Allele origin: germline.
Comment: This sequence change replaces asparagine, which is neutral and polar, with isoleucine, which is neutral and non-polar, at codon 193 of the DSG2 protein (p.Asn193Ile). This variant is not present in population databases (gnomAD no frequency). This variant has not been reported in the literature in individuals affected with DSG2-related conditions. Invitae Evidence Modeling of protein sequence and biophysical properties (such as structural, functional, and spatial information, amino acid conservation, physicochemical variation, residue mobility, and thermodynamic stability) has been performed for this missense variant. However, the output from this modeling did not meet the statistical confidence thresholds required to predict the impact of this variant on DSG2 protein function. In summary, the available evidence is currently insufficient to determine the role of this variant in disease. Therefore, it has been classified as a Variant of Uncertain Significance.

NM_001943.5(DSG2):c.578A>T (p.Asn193Ile)

Gene: DSG2 (desmoglein 2; plus strand). Cytogenetic location: 18q12.1.
Variant type: single nucleotide variant.
Coding change: c.578A>T on transcript NM_001943.5 (MANE Select); coding-DNA position 578, A replaced by T.
Protein change: p.Asn193Ile; replaces asparagine 193 with isoleucine.
Molecular consequence: missense variant.
Genome position (GRCh38, 1-based): chr18:31,522,137, A>T. VCF-style: chr18-31522137-A-T. GRCh37 (hg19) VCF-style: chr18-29102100-A-T.
Other names: short protein forms N193I.
Identifiers: ClinVar variation 4803002 (VCV004803002.1).